The following is an entry in ClinVar:

NM_000465.4(BARD1):c.1904-2del

Gene: BARD1 (BRCA1 associated RING domain 1; minus strand). Cytogenetic location: 2q35.
Variant type: Deletion.
Coding change: c.1904-2del on transcript NM_000465.4 (MANE Select); the canonical splice acceptor site of the intron before coding-DNA position 1904, one base deleted (A; older notation c.1904-2delA).
Molecular consequence: splice acceptor variant.
Genome position (GRCh38, 1-based): chr2:214,730,510, T deleted on the plus strand (A on the coding strand, the reverse complement: BARD1 is on the minus strand). VCF-style (leftmost placement, unchanged base first): chr2-214730509-CT-C. GRCh37 (hg19) VCF-style: chr2-215595233-CT-C.
Other names: c.494-2del (NM_001282548.2); c.1847-2del (NM_001282543.2); c.551-2del (NM_001282545.2); c.365-2del (NM_001282549.2).
Identifiers: ClinVar variation 232108 (VCV000232108.18), dbSNP rs876659560, ClinGen allele CA10577779.

ClinVar aggregate classification (germline): Conflicting classifications of pathogenicity. Review status: criteria provided, conflicting classifications (1 of 4 stars). 3 submissions from 3 submitters: Likely pathogenic (2); Uncertain significance (1). Last evaluated 2026-04-09.

Conditions:
Familial cancer of breast. Also called: hereditary breast carcinoma; BREAST CANCER, FAMILIAL; Hereditary breast cancer. Identifiers: Orphanet 227535, MedGen C0346153, MONDO:0016419, OMIM 114480. Disease mechanism: loss of function.
Hereditary cancer-predisposing syndrome. Also called: Neoplastic Syndromes, Hereditary; Hereditary Cancer Syndrome; Tumor predisposition; Hereditary neoplastic syndrome. Identifiers: Orphanet 140162, MedGen C0027672, MeSH D009386, MONDO:0015356.

Submissions (3):

Ambry Genetics
Classification: Uncertain significance for Hereditary cancer-predisposing syndrome. Last evaluated: 2026-04-09. Review status: criteria provided, single submitter. Criteria: Ambry Variant Classification Scheme 2023. Collection method: clinical testing. Allele origin: germline.
Comment: The c.1904-2delA intronic variant, located in intron 9 of the BARD1 gene, results from a deletion of one nucleotide within intron 9 of the BARD1 gene. Alterations that disrupt the canonical splice site are expected to result in aberrant splicing. In silico splice site analysis predicts that this alteration will weaken the native splice acceptor site and will result in the creation or strengthening of a novel splice acceptor site. The resulting transcript is predicted to be in-frame and is not expected to trigger nonsense-mediated mRNAdecay. RNA studies have demonstrated that this alteration results in a transcript predicted to lead to a protein with an in-frame deletion of three amino acids; however, the exact functional impact of the deleted amino acids is unknown at this time (Ambry internal data). This nucleotide position is highly conserved in available vertebrate species. Based on the available evidence, the clinical significance of this variant remains unclear.

Labcorp Genetics (formerly Invitae), Labcorp
Classification: Likely pathogenic for Familial cancer of breast. Last evaluated: 2024-10-02. Review status: criteria provided, single submitter. Criteria: Invitae Variant Classification Sherloc (09022015). Collection method: clinical testing. Allele origin: germline.
Comment: This sequence change affects a splice site in intron 9 of the BARD1 gene. It is expected to disrupt RNA splicing. Variants that disrupt the donor or acceptor splice site typically lead to a loss of protein function (PMID: 16199547), and loss-of-function variants in BARD1 are known to be pathogenic (PMID: 20077502, 21344236). This variant is not present in population databases (gnomAD no frequency). This variant has not been reported in the literature in individuals affected with BARD1-related conditions. ClinVar contains an entry for this variant (Variation ID: 232108). Algorithms developed to predict the effect of sequence changes on RNA splicing suggest that this variant may disrupt the consensus splice site. In summary, the currently available evidence indicates that the variant is pathogenic, but additional data are needed to prove that conclusively. Therefore, this variant has been classified as Likely Pathogenic.

Myriad Genetics, Inc.
Classification: Likely pathogenic for Familial cancer of breast. Last evaluated: 2023-05-24. Review status: criteria provided, single submitter. Criteria: Myriad Autosomal Dominant, Autosomal Recessive and X-Linked Classification Criteria (2023). Collection method: clinical testing. Allele origin: unknown.
Comment: This variant is considered likely pathogenic. This variant occurs within a consensus splice junction and is predicted to result in abnormal mRNA splicing of either an out-of-frame exon or an in-frame exon necessary for protein stability and/or normal function.

Literature cited by the submitters: PubMed 16199547 (cited by Labcorp Genetics (formerly Invitae), Labcorp); PubMed 20077502 (cited by Labcorp Genetics (formerly Invitae), Labcorp); PubMed 21344236 (cited by Labcorp Genetics (formerly Invitae), Labcorp).